The following is an entry in ClinVar:

ClinVar aggregate classification (germline): Conflicting classifications of pathogenicity. Review status: criteria provided, conflicting classifications (1 of 4 stars). 16 submissions from 16 submitters: Uncertain significance (4); Benign (1); Likely benign (5). 6 of the submissions do not count toward it. Last evaluated 2026-02-03.

Conditions:
BRCA1-related disorder. Also called: BRCA1-related condition.
Familial cancer of breast. Also called: Hereditary breast cancer; hereditary breast carcinoma; BREAST CANCER, FAMILIAL. Identifiers: Orphanet 227535, MedGen C0346153, MONDO:0016419, OMIM 114480. Disease mechanism: loss of function.
Breast-ovarian cancer, familial, susceptibility to, 1 (BROVCA1). Also called: OVARIAN CANCER, SUSCEPTIBILITY TO; BRCA1 Hereditary Breast and Ovarian Cancer. Identifiers: Orphanet 145, MedGen C2676676, MONDO:0011450, OMIM 604370. Disease mechanism: loss of function.
Pancreatic cancer, susceptibility to, 4. Identifiers: Orphanet 1333, MedGen C3280442, MONDO:0013685, OMIM 614320.
Fanconi anemia, complementation group S (FANCS). Identifiers: MedGen C4554406, MONDO:0054748, OMIM 617883.
Hereditary cancer-predisposing syndrome. Also called: Tumor predisposition; Neoplastic Syndromes, Hereditary; Hereditary Cancer Syndrome; Hereditary neoplastic syndrome. Identifiers: Orphanet 140162, MedGen C0027672, MeSH D009386, MONDO:0015356.
Breast neoplasm. Also called: Neoplasm of breast; Breast tumor; Neoplasm of the breast; Breast Neoplasms. Identifiers: MedGen C1458155, MeSH D001943, MONDO:0021100, HP:0100013. Disease mechanism: gain of function.
Hereditary breast ovarian cancer syndrome. Also called: Hereditary breast and ovarian cancer syndrome (HBOC); Hereditary breast and ovarian cancer syndrome; Hereditary breast and ovarian cancer; Hereditary breast and/or ovarian cancer syndrome; Breast and ovarian cancer; BRCA1- and BRCA2-Associated Hereditary Breast and Ovarian Cancer. Identifiers: Orphanet 145, MedGen C0677776, MeSH D061325, MONDO:0003582. Disease mechanism: loss of function.
Malignant tumor of breast. Also called: Malignant breast neoplasm; Cancer breast. Identifiers: MedGen C0006142, MONDO:0007254. Disease mechanism: loss of function.

Allele frequency attached by ClinVar (database versions not stated): gnomAD exomes 0.00001 and 0.00005; TOPMed 0.00001; gnomAD 0.00003 and 0.00004; ExAC 0.00006.
gnomAD v4.1: 16 of 1,610,368 alleles (0.00099%); highest among the groups gnomAD compares: East Asian, 0.033%; no homozygotes.

Submissions (16):

Labcorp Genetics (formerly Invitae), Labcorp
Classification: Likely benign for Hereditary breast ovarian cancer syndrome. Last evaluated: 2026-02-03. Review status: criteria provided, single submitter. Criteria: Invitae Variant Classification Sherloc (09022015). Collection method: clinical testing. Allele origin: germline.

Center for Genomic Medicine, Rigshospitalet, Copenhagen University Hospital
Classification: Uncertain significance. Last evaluated: 2025-03-04. Review status: criteria provided, single submitter. Criteria: ACMG Guidelines, 2015. Collection method: clinical testing. Allele origin: germline.

Blueprint Genetics
Classification: Likely benign. Last evaluated: 2024-05-30. Review status: criteria provided, single submitter. Criteria: ACMG Guidelines, 2015. Collection method: clinical testing. Allele origin: germline.

Women's Health and Genetics/Laboratory Corporation of America, LabCorp
Classification: Likely benign. Last evaluated: 2023-09-26. Review status: criteria provided, single submitter. Criteria: LabCorp Variant Classification Summary - May 2015. Collection method: clinical testing. Allele origin: germline.
Comment: Variant summary: BRCA1 c.446A>C (p.Glu149Ala) results in a non-conservative amino acid change in the encoded protein sequence. Three of five in-silico tools predict a damaging effect of the variant on protein function. The variant allele was found at a frequency of 5.2e-05 in 251420 control chromosomes, predominantly at a frequency of 0.0006 within the East Asian subpopulation in the gnomAD database. This frequency is not significantly higher than estimated for a pathogenic variant in BRCA1 causing Hereditary Breast And Ovarian Cancer Syndrome (5.2e-05 vs 0.001), allowing no conclusion about variant significance. c.446A>C has been reported in the literature in individuals affected with early-onset breast cancer, colorectal cancer with suspected Lynch syndrome, stomach adenocarcinoma, and thoracic cancer, all without evidence of causality and often reported as VUS or benign (e.g. Lu_2015, Xu_2020, Wei_2018, Shen_2019, Zhong_2016, Tsang_2023). These report(s) do not provide unequivocal conclusions about association of the variant with Hereditary Breast And Ovarian Cancer Syndrome. At least one publication reports experimental evidence evaluating an impact on protein function (e.g. Lu_2015). These results showed no damaging effect of this variant in an HDR assay. The following publications have been ascertained in the context of this evaluation (PMID: 26689913, 35116780, 36964191, 29805665, 32548945, 27257965). Eight submitters have cited clinical-significance assessments for this variant to ClinVar after 2014, classifying the variant as benign (n=1), likely benign (n=3), or uncertain significance (n=4). Based on the evidence outlined above, the variant was classified as likely benign.

GeneDx
Classification: Uncertain significance. Last evaluated: 2022-06-03. Review status: criteria provided, single submitter. Criteria: GeneDx Variant Classification Process June 2021. Collection method: clinical testing. Allele origin: germline. Affected: yes.
Comment: In silico analysis, which includes protein predictors and evolutionary conservation, supports a deleterious effect; Published functional study demonstrates no significant difference compared to wild type in a homologous directed repair assay (Lu 2015); Also known as 565A>C; This variant is associated with the following publications: (PMID: 29805665, 27257965, 22116506, 20215511, 30702160, 31825140, 35116780, 32467295, 32548945, 26689913)

Quest Diagnostics Nichols Institute San Juan Capistrano
Classification: Likely benign. Last evaluated: 2020-12-26. Review status: criteria provided, single submitter. Criteria: Quest Diagnostics criteria. Collection method: clinical testing. Allele origin: unknown.

Ambry Genetics
Classification: Benign for Hereditary cancer-predisposing syndrome. Last evaluated: 2020-07-16. Review status: criteria provided, single submitter. Criteria: Ambry Variant Classification Scheme 2023. Collection method: clinical testing. Allele origin: germline.

Fulgent Genetics
Classification: Uncertain significance for Familial cancer of breast; Breast-ovarian cancer, familial, susceptibility to, 1; Pancreatic cancer, susceptibility to, 4; Fanconi anemia, complementation group S. Last evaluated: 2018-10-31. Review status: criteria provided, single submitter. Criteria: ACMG Guidelines, 2015. Collection method: clinical testing. Allele origin: unknown.

Color Diagnostics, LLC DBA Color Health
Classification: Likely benign for Hereditary cancer-predisposing syndrome. Last evaluated: 2016-04-19. Review status: criteria provided, single submitter. Criteria: ACMG Guidelines, 2015. Collection method: clinical testing. Allele origin: germline.

Laboratory of Molecular Diagnosis of Cancer, West China Hospital, Sichuan University
Classification: Uncertain significance for Breast neoplasm. Last evaluated: 2015-11-01. Review status: criteria provided, single submitter. Criteria: ACMG Guidelines, 2015. Collection method: research. Allele origin: germline. Affected: yes. Observed: 1 variant allele.

PreventionGenetics, part of Exact Sciences
Classification: Likely benign for BRCA1-related condition. Last evaluated: 2024-06-14. Review status: no assertion criteria provided. Collection method: clinical testing. Allele origin: germline. Not counted in ClinVar's aggregate classification.
Comment: This variant is classified as likely benign based on ACMG/AMP sequence variant interpretation guidelines (Richards et al. 2015 PMID: 25741868, with internal and published modifications).

Department of Medical and Surgical Sciences, University of Bologna
Classification: Benign for Breast-ovarian cancer, familial, susceptibility to, 1. Last evaluated: 2023-09-01. Review status: no assertion criteria provided. Collection method: clinical testing. Allele origin: germline. Affected: yes. Not counted in ClinVar's aggregate classification.
Comment: BS1(Strong)+BP1(Strong) according to ACMG/AMP classification guidelines specified for BRCA1 & BRCA2 (Classification Criteria V1.0.0 2023-09-08) (PMID: 38160042)

Sharing Clinical Reports Project (SCRP)
Classification: Uncertain significance for Breast-ovarian cancer, familial 1. Last evaluated: 2008-09-04. Review status: no assertion criteria provided. Collection method: clinical testing. Allele origin: germline. Not counted in ClinVar's aggregate classification.

Department of Pathology and Laboratory Medicine, Sinai Health System
Classification: Uncertain significance for Malignant tumor of breast. Review status: no assertion criteria provided. Collection method: clinical testing. Allele origin: unknown. Affected: yes. Study: The Canadian Open Genetics Repository (COGR). Not counted in ClinVar's aggregate classification.
Comment: The BRCA1 p.Glu149Ala variant was identified in 2 of 1302 proband chromosomes (frequency: 0.002) from Chinese individuals or families with sporadic breast cancer (Zhong_2016_27257965, Zhang_2012_ 22116506). A functional validation study of BRCA1 missense variants using a HDR assay in triplicate found the variantâ€šÃ„Ã´s HDR ability was not impaired (not significant) (Lu_2015_26689913). The variant was also identified in dbSNP (ID: rs397507233) â€šÃ„ÃºWith Uncertain significance alleleâ€šÃ„Ã¹, ClinVar (classified as uncertain significance by Laboratory for Molecular Diagnosis of Cancer (West China Hospital, Sichuan University), Ambry Genetics, Inivitae, GeneDx and SCRP), Clinvitae (5x), and UMD-LSDB (4x 3-UV), and was not identified in GeneInsight-COGR, Cosmic, MutDB, LOVD 3.0, BIC Database, ARUP Laboratories or Zhejiang Colon Cancer Database. The variant was identified in control databases in 14 of 277160 chromosomes at a frequency of 0.00005 (Genome Aggregation Database Feb 27, 2017), observed in the following populations: Other in 1 of 6464 chromosomes (freq: 0.0002), Latino in 1 of 34418 chromosomes (freq: 0.00003) and East Asian in 12 of 18870 chromosomes (freq: 0.0006) while not observed in the African, European Non-Finnish, Ashkenazi Jewish, European Finnish, and South Asian populations. The p.Glu149 residue is not conserved in mammals and computational analyses (PolyPhen-2, SIFT, AlignGVGD, BLOSUM, MutationTaster) provide inconsistent predictions regarding the impact of Ala to the protein; this information is not very predictive of pathogenicity. The variant occurs outside of the splicing consensus sequence and 1 of 5 in silico or computational prediction software programs (SpliceSiteFinder, MaxEntScan, NNSPLICE, GeneSplicer, HumanSpliceFinder) predict a greater than 10% difference in splicing; this is not very predictive of pathogenicity. In summary, based on the above information the clinical significance of this variant cannot be determined with certainty at this time. This variant is classified as a variant of uncertain significance.

Joint Genome Diagnostic Labs from Nijmegen and Maastricht, Radboudumc and MUMC+
Classification: Likely benign. Review status: no assertion criteria provided. Collection method: clinical testing. Allele origin: germline. Affected: yes. Study: VKGL Data-share Consensus. Not counted in ClinVar's aggregate classification.

Laboratory of Diagnostic Genome Analysis, Leiden University Medical Center (LUMC)
Classification: Likely benign. Review status: no assertion criteria provided. Collection method: clinical testing. Allele origin: germline. Affected: yes. Study: VKGL Data-share Consensus. Not counted in ClinVar's aggregate classification.

Literature cited by the submitters: PubMed 27257965 (cited by 4 submitters); PubMed 26689913 (cited by 4 submitters); PubMed 32548945 (cited by Women's Health and Genetics/Laboratory Corporation of America, LabCorp); PubMed 35116780 (cited by Women's Health and Genetics/Laboratory Corporation of America, LabCorp); PubMed 36964191 (cited by Women's Health and Genetics/Laboratory Corporation of America, LabCorp); PubMed 29805665 (cited by 3 submitters); PubMed 30702160 (cited by Quest Diagnostics Nichols Institute San Juan Capistrano and Ambry Genetics); PubMed 22116506 (cited by Quest Diagnostics Nichols Institute San Juan Capistrano and Ambry Genetics).

NM_007294.4(BRCA1):c.446A>C (p.Glu149Ala)

Gene: BRCA1 (BRCA1 DNA repair associated; minus strand). Cytogenetic location: 17q21.31.
Variant type: single nucleotide variant.
Coding change: c.446A>C on transcript NM_007294.4 (MANE Select); coding-DNA position 446, A replaced by C.
Protein change: p.Glu149Ala; replaces glutamic acid 149 with alanine.
Molecular consequence: missense variant. On other transcripts: non-coding transcript variant (1).
Genome position (GRCh38, 1-based): chr17:43,099,876, T>G on the plus strand (A>C on the coding strand, the complement: BRCA1 is on the minus strand). VCF-style: chr17-43099876-T-G. GRCh37 (hg19) VCF-style: chr17-41251893-T-G.
Other names: 565A>C; c.305A>C, p.Glu102Ala (NM_001408497.1, NM_001408498.1, NM_001408499.1 and 61 more transcripts); c.236A>C, p.Glu79Ala (NM_001408502.1, NM_001408506.1, NM_001408507.1 and 37 more transcripts); c.302A>C, p.Glu101Ala (NM_001408503.1, NM_001408504.1, NM_001408505.1 and 35 more transcripts); c.233A>C, p.Glu78Ala (NM_001408508.1, NM_001408509.1, NM_001407571.1 and 18 more transcripts); c.65A>C, p.Glu22Ala (NM_001408510.1, NM_001408512.1, NM_001407959.1 and 3 more transcripts); c.446A>C, p.Glu149Ala (NM_007298.4, NM_007299.4, NM_007300.4 and 97 more transcripts); c.443A>C, p.Glu148Ala (NM_001407587.1, NM_001407590.1, NM_001407591.1 and 65 more transcripts); and 5 more; short protein forms E149A, E102A, E22A, E79A, E146A, E148A, E101A, E123A.
Identifiers: ClinVar variation 37594 (VCV000037594.39), dbSNP rs397507233, ClinGen allele CA002865.